The following is an entry in ClinVar:

NM_000492.4(CFTR):c.136G>A (p.Ala46Thr)

Gene: CFTR (CF transmembrane conductance regulator; plus strand). Cytogenetic location: 7q31.2.
Variant type: single nucleotide variant.
Coding change: c.136G>A on transcript NM_000492.4 (MANE Select); coding-DNA position 136, G replaced by A.
Protein change: p.Ala46Thr; replaces alanine 46 with threonine.
Molecular consequence: missense variant.
Genome position (GRCh38, 1-based): chr7:117,504,335, G>A. VCF-style: chr7-117504335-G-A. GRCh37 (hg19) VCF-style: chr7-117144389-G-A.
Other names: short protein forms A46T.
Identifiers: ClinVar variation 819008 (VCV000819008.4), dbSNP rs1584774381, ClinGen allele CA368987369.

ClinVar aggregate classification (germline): Uncertain significance (1 of 4 stars; one submission).

Conditions:
Cystic fibrosis (CF). Also called: MUCOVISCIDOSIS. Identifiers: Orphanet 586, MedGen C0010674, MONDO:0009061, OMIM 219700. Disease mechanism: loss of function.

Submission:

Ambry Genetics
Classification: Uncertain significance for Cystic fibrosis. Last evaluated: 2019-05-21. Review status: criteria provided, single submitter. Criteria: Ambry Variant Classification Scheme 2023. Collection method: clinical testing. Allele origin: germline.
Comment: The p.A46T variant (also known as c.136G>A), located in coding exon 2 of the CFTR gene, results from a G to A substitution at nucleotide position 136. The alanine at codon 46 is replaced by threonine, an amino acid with similar properties. This amino acid position is highly conserved in available vertebrate species. In addition, the in silico prediction for this alteration is inconclusive. Since supporting evidence is limited at this time, the clinical significance of this alteration remains unclear.